The following is an entry in ClinVar:

ClinVar aggregate classification (germline): Uncertain significance (1 of 4 stars; one submission).

Conditions:
Hereditary cancer-predisposing syndrome. Also called: Hereditary Cancer Syndrome; Hereditary neoplastic syndrome; Neoplastic Syndromes, Hereditary; Tumor predisposition. Identifiers: Orphanet 140162, MedGen C0027672, MeSH D009386, MONDO:0015356.

gnomAD v4.1: 1 of 1,614,118 alleles (0.000062%); highest among the groups gnomAD compares: East Asian, 0.0022%; no homozygotes.

Submission:

Ambry Genetics
Classification: Uncertain significance for Hereditary cancer-predisposing syndrome. Last evaluated: 2025-07-03. Review status: criteria provided, single submitter. Criteria: Ambry Variant Classification Scheme 2023. Collection method: clinical testing. Allele origin: germline.
Comment: The p.K77E variant (also known as c.229A>G), located in coding exon 3 of the EPCAM gene, results from an A to G substitution at nucleotide position 229. The lysine at codon 77 is replaced by glutamic acid, an amino acid with similar properties. This amino acid position is conserved. In addition, this alteration is predicted to be tolerated by in silico analysis. Based on the available evidence, the clinical significance of this variant remains unclear.

NM_002354.3(EPCAM):c.229A>G (p.Lys77Glu)

Gene: EPCAM (epithelial cell adhesion molecule; plus strand). Cytogenetic location: 2p21.
Variant type: single nucleotide variant.
Coding change: c.229A>G on transcript NM_002354.3 (MANE Select); coding-DNA position 229, A replaced by G.
Protein change: p.Lys77Glu; replaces lysine 77 with glutamic acid.
Molecular consequence: missense variant.
Genome position (GRCh38, 1-based): chr2:47,373,852, A>G. VCF-style: chr2-47373852-A-G. GRCh37 (hg19) VCF-style: chr2-47600991-A-G.
Other names: short protein forms K77E.
Identifiers: ClinVar variation 4249670 (VCV004249670.1).